The following is an entry in ClinVar:

NM_004380.3(CREBBP):c.4854C>T (p.Ser1618=)

Gene: CREBBP (CREB binding lysine acetyltransferase; minus strand). Cytogenetic location: 16p13.3.
Variant type: single nucleotide variant.
Coding change: c.4854C>T on transcript NM_004380.3 (MANE Select); coding-DNA position 4854, C replaced by T.
Protein change: p.Ser1618=; no amino-acid change (serine 1618 retained).
Molecular consequence: synonymous variant.
Genome position (GRCh38, 1-based): chr16:3,731,812, G>A on the plus strand (C>T on the coding strand, the complement: CREBBP is on the minus strand). VCF-style: chr16-3731812-G-A. GRCh37 (hg19) VCF-style: chr16-3781813-G-A.
Other names: c.4740C>T, p.Ser1580= (NM_001079846.1).
Identifiers: ClinVar variation 5040210 (VCV005040210.1).

ClinVar aggregate classification (germline): Likely benign (1 of 4 stars; one submission).

Submission:

CeGaT Center for Human Genetics Tuebingen
Classification: Likely benign. Last evaluated: 2026-07-01. Review status: criteria provided, single submitter. Criteria: CeGaT Center For Human Genetics Tuebingen Variant Classification Criteria Version 2. Collection method: clinical testing. Allele origin: germline. Affected: yes. Observed: 1 variant allele.
Comment: CREBBP: PM2:Supporting, BP4, BP7